The following is an entry in ClinVar:

ClinVar aggregate classification (germline): Benign (0 of 4 stars; one submission).

Conditions:
ARFGEF3-related disorder. Also called: ARFGEF3-related condition.

Allele frequency attached by ClinVar (database versions not stated): gnomAD exomes 0.00092; ExAC 0.00389; 1000 Genomes Project 30x 0.00953; 1000 Genomes Project 0.00978; gnomAD 0.00987; ESP Exome Variant Server 0.01038; TOPMed 0.01109.

Submission:

PreventionGenetics, part of Exact Sciences
Classification: Benign for ARFGEF3-related condition. Last evaluated: 2019-03-26. Review status: no assertion criteria provided. Collection method: clinical testing. Allele origin: germline.
Comment: This variant is classified as benign based on ACMG/AMP sequence variant interpretation guidelines (Richards et al. 2015 PMID: 25741868, with internal and published modifications).

NM_020340.5(ARFGEF3):c.1472C>T (p.Thr491Met)

Gene: ARFGEF3 (ARFGEF family member 3; plus strand). Cytogenetic location: 6q23.3.
Variant type: single nucleotide variant.
Coding change: c.1472C>T on transcript NM_020340.5 (MANE Select); coding-DNA position 1472, C replaced by T.
Protein change: p.Thr491Met; replaces threonine 491 with methionine.
Molecular consequence: missense variant.
Genome position (GRCh38, 1-based): chr6:138,262,955, C>T. VCF-style: chr6-138262955-C-T. GRCh37 (hg19) VCF-style: chr6-138584092-C-T.
Other names: short protein forms T491M.
Identifiers: ClinVar variation 3035912 (VCV003035912.2), dbSNP rs34767816, ClinGen allele CA4020588.